The following is an entry in ClinVar:

ClinVar aggregate classification (germline): Uncertain significance (1 of 4 stars; one submission).

Conditions:
Encephalopathy, acute, infection-induced (herpes-specific), susceptibility to, 1. Also called: Herpes simplex encephalitis, susceptibility to, 1. Identifiers: Orphanet 1930, MedGen C2750180, MONDO:0024563, OMIM 610551.

Allele frequency attached by ClinVar (database versions not stated): gnomAD 0.00001; ExAC 0.00002; gnomAD exomes 0.00003.
gnomAD v4.1: 41 of 1,613,990 alleles (0.0025%); highest among the groups gnomAD compares: Non-Finnish European, 0.0023%; no homozygotes.

Submission:

Labcorp Genetics (formerly Invitae), Labcorp
Classification: Uncertain significance for Encephalopathy, acute, infection-induced (herpes-specific), susceptibility to, 1. Last evaluated: 2024-02-17. Review status: criteria provided, single submitter. Criteria: Invitae Variant Classification Sherloc (09022015). Collection method: clinical testing. Allele origin: germline.
Comment: This sequence change replaces leucine, which is neutral and non-polar, with phenylalanine, which is neutral and non-polar, at codon 440 of the TLR3 protein (p.Leu440Phe). This variant is present in population databases (rs756002361, gnomAD 0.03%). This variant has not been reported in the literature in individuals affected with TLR3-related conditions. An algorithm developed to predict the effect of missense changes on protein structure and function (PolyPhen-2) suggests that this variant is likely to be tolerated. In summary, the available evidence is currently insufficient to determine the role of this variant in disease. Therefore, it has been classified as a Variant of Uncertain Significance.

NM_003265.3(TLR3):c.1318C>T (p.Leu440Phe)

Gene: TLR3 (toll like receptor 3; plus strand). Cytogenetic location: 4q35.1.
Variant type: single nucleotide variant.
Coding change: c.1318C>T on transcript NM_003265.3 (MANE Select); coding-DNA position 1318, C replaced by T.
Protein change: p.Leu440Phe; replaces leucine 440 with phenylalanine.
Molecular consequence: missense variant.
Genome position (GRCh38, 1-based): chr4:186,083,004, C>T. VCF-style: chr4-186083004-C-T. GRCh37 (hg19) VCF-style: chr4-187004158-C-T.
Other names: short protein forms L440F.
Identifiers: ClinVar variation 2971726 (VCV002971726.3), dbSNP rs756002361, ClinGen allele CA3161392.
Genomic context (GRCh38, chr4:186,083,004, plus strand): 5'-TCAAAAATAGAGAGTGATGCTTTCTCTTGGTTGGGCCACCTAGAAGTACTTGACCTGGGC[C>T]TTAATGAAATTGGGCAAGAACTCACAGGCCAGGAATGGAGAGGTCTAGAAAATATTTTCG-3'
Protein context (NP_003256.1, residues 430-450): LGHLEVLDLG[Leu440Phe]NEIGQELTGQ